The following is an entry in ClinVar:

NM_000350.3(ABCA4):c.445A>G (p.Arg149Gly)

Gene: ABCA4 (ATP binding cassette subfamily A member 4; minus strand). Cytogenetic location: 1p22.1.
Variant type: single nucleotide variant.
Coding change: c.445A>G on transcript NM_000350.3 (MANE Select); coding-DNA position 445, A replaced by G.
Protein change: p.Arg149Gly; replaces arginine 149 with glycine.
Molecular consequence: missense variant.
Genome position (GRCh38, 1-based): chr1:94,103,140, T>C on the plus strand (A>G on the coding strand, the complement: ABCA4 is on the minus strand). VCF-style: chr1-94103140-T-C. GRCh37 (hg19) VCF-style: chr1-94568696-T-C.
Other names: c.445A>G, p.Arg149Gly (NM_001425324.1); short protein forms R149G.
Identifiers: ClinVar variation 1931309 (VCV001931309.3), dbSNP rs1448232035, ClinGen allele CA341291461.

ClinVar aggregate classification (germline): Uncertain significance. Review status: criteria provided, multiple submitters, no conflicts (2 of 4 stars). 2 submissions from 2 submitters: Uncertain significance (2). Last evaluated 2022-06-16.

Allele frequency attached by ClinVar (database versions not stated): gnomAD exomes 0.00002.
gnomAD v4.1: 10 of 1,613,930 alleles (0.00062%); highest among the groups gnomAD compares: South Asian, 0.011%; 1 homozygote.

Submissions (2):

Labcorp Genetics (formerly Invitae), Labcorp
Classification: Uncertain significance. Last evaluated: 2022-06-16. Review status: criteria provided, single submitter. Criteria: Invitae Variant Classification Sherloc (09022015). Collection method: clinical testing. Allele origin: germline.
Comment: This sequence change replaces arginine, which is basic and polar, with glycine, which is neutral and non-polar, at codon 149 of the ABCA4 protein (p.Arg149Gly). This variant is present in population databases (no rsID available, gnomAD 0.003%). This variant has not been reported in the literature in individuals affected with ABCA4-related conditions. Algorithms developed to predict the effect of missense changes on protein structure and function are either unavailable or do not agree on the potential impact of this missense change (SIFT: "Deleterious"; PolyPhen-2: "Benign"; Align-GVGD: "Class C65"). In summary, the available evidence is currently insufficient to determine the role of this variant in disease. Therefore, it has been classified as a Variant of Uncertain Significance.

Blueprint Genetics
Classification: Uncertain significance. Last evaluated: 2022-01-28. Review status: criteria provided, single submitter. Criteria: ACMG Guidelines, 2015. Collection method: clinical testing. Allele origin: germline.